The following is an entry in ClinVar:

ClinVar aggregate classification (germline): Uncertain significance (1 of 4 stars; one submission).

Conditions:
PHIP-related disorder. Also called: PHIP-related condition; PHIP-related disorders.

gnomAD v4.1: 3 of 1,613,722 alleles (0.00019%); highest among the groups gnomAD compares: Non-Finnish European, 0.00025%; no homozygotes.

Submission:

PreventionGenetics, part of Exact Sciences
Classification: Uncertain significance for PHIP-related condition. Last evaluated: 2026-05-08. Review status: criteria provided, single submitter. Criteria: ACMG Guidelines, 2015. Collection method: clinical testing. Allele origin: germline.
Comment: The PHIP c.2189C>G variant is predicted to result in the amino acid substitution p.Ala730Gly. To our knowledge, this variant has not been reported in the literature or in a large population database (gnomAD), indicating this variant is rare. At this time, the clinical significance of this variant is uncertain due to the absence of conclusive functional and genetic evidence.

NM_017934.7(PHIP):c.2189C>G (p.Ala730Gly)

Gene: PHIP (PHIP subunit of CUL4-Ring ligase complex; minus strand). Cytogenetic location: 6q14.1.
Variant type: single nucleotide variant.
Coding change: c.2189C>G on transcript NM_017934.7 (MANE Select); coding-DNA position 2189, C replaced by G.
Protein change: p.Ala730Gly; replaces alanine 730 with glycine.
Molecular consequence: missense variant.
Genome position (GRCh38, 1-based): chr6:78,997,426, G>C on the plus strand (C>G on the coding strand, the complement: PHIP is on the minus strand). VCF-style: chr6-78997426-G-C. GRCh37 (hg19) VCF-style: chr6-79707143-G-C.
Other names: short protein forms A730G.
Identifiers: ClinVar variation 4980034 (VCV004980034.1).